The following is an entry in ClinVar:

ClinVar aggregate classification (germline): Uncertain significance. Review status: criteria provided, multiple submitters, no conflicts (2 of 4 stars). 4 submissions from 4 submitters: Uncertain significance (4). Last evaluated 2025-06-06.

Conditions:
Junctional epidermolysis bullosa with pyloric atresia. Also called: EPIDERMOLYSIS BULLOSA, JUNCTIONAL 5B, WITH PYLORIC ATRESIA; Junctional Epidermolysis Bullosa- Pyloric Atresia Syndrome; APLASIA CUTIS CONGENITA WITH GASTROINTESTINAL ATRESIA; CARMI SYNDROME; EB-PA-ACC; ITGB4-Related Epidermolysis Bullosa with Pyloric Atresia. Identifiers: Orphanet 79403, MedGen C5676875, MONDO:0009183, OMIM 226730.
Inborn genetic diseases. Identifiers: MedGen C0950123, MeSH D030342.

Allele frequency attached by ClinVar (database versions not stated): ESP Exome Variant Server 0.00008; TOPMed 0.00009; gnomAD 0.00009; 1000 Genomes Project 30x 0.00016; 1000 Genomes Project 0.00020; gnomAD exomes 0.00008; ExAC 0.00010.
gnomAD v4.1: 110 of 1,613,348 alleles (0.0068%); highest among the groups gnomAD compares: Middle Eastern, 0.016%; no homozygotes.

Submissions (4):

Ambry Genetics
Classification: Uncertain significance for Inborn genetic diseases. Last evaluated: 2025-06-06. Review status: criteria provided, single submitter. Criteria: Ambry Variant Classification Scheme 2023. Collection method: clinical testing. Allele origin: germline.

Labcorp Genetics (formerly Invitae), Labcorp
Classification: Uncertain significance. Last evaluated: 2025-02-24. Review status: criteria provided, single submitter. Criteria: Invitae Variant Classification Sherloc (09022015). Collection method: clinical testing. Allele origin: germline.
Comment: This sequence change replaces arginine, which is basic and polar, with cysteine, which is neutral and slightly polar, at codon 1529 of the ITGB4 protein (p.Arg1529Cys). This variant is present in population databases (rs373902577, gnomAD 0.02%). This variant has not been reported in the literature in individuals affected with ITGB4-related conditions. ClinVar contains an entry for this variant (Variation ID: 325201). An algorithm developed to predict the effect of missense changes on protein structure and function (PolyPhen-2) suggests that this variant is likely to be disruptive. In summary, the available evidence is currently insufficient to determine the role of this variant in disease. Therefore, it has been classified as a Variant of Uncertain Significance.

Mayo Clinic Laboratories, Mayo Clinic
Classification: Uncertain significance. Last evaluated: 2023-10-09. Review status: criteria provided, single submitter. Criteria: ACMG Guidelines, 2015. Collection method: clinical testing. Allele origin: germline. Observed: 1 variant allele.

Illumina Laboratory Services, Illumina
Classification: Uncertain significance for Junctional epidermolysis bullosa with pyloric atresia. Last evaluated: 2018-01-13. Review status: criteria provided, single submitter. Criteria: ICSL Variant Classification Criteria 13 December 2019. Collection method: clinical testing. Allele origin: germline.

NM_000213.5(ITGB4):c.4795C>T (p.Arg1599Cys)

Genes: GALK1 (galactokinase 1; minus strand), ITGB4 (integrin subunit beta 4; plus strand). Cytogenetic location: 17q25.1.
Variant type: single nucleotide variant.
Coding change: c.4795C>T on transcript NM_000213.5 (MANE Select); coding-DNA position 4795, C replaced by T.
Protein change: p.Arg1599Cys; replaces arginine 1599 with cysteine.
Molecular consequence: missense variant. On other transcripts: intron variant (1).
Genome position (GRCh38, 1-based): chr17:75,756,515, C>T. VCF-style: chr17-75756515-C-T. GRCh37 (hg19) VCF-style: chr17-73752596-C-T.
Other names: p.Arg1599Cys; c.4744C>T, p.Arg1582Cys (NM_001005619.2); c.4585C>T, p.Arg1529Cys (NM_001005731.3, NM_001321123.2); c.4435C>T, p.Arg1479Cys (NM_001438834.1); c.*22+1519G>A (NM_001381985.1); short protein forms R1529C, R1599C, R1582C, R1479C.
Identifiers: ClinVar variation 325201 (VCV000325201.9), dbSNP rs373902577, ClinGen allele CA8770320.
Genomic context (GRCh38, chr17:75,756,515, plus strand): 5'-AACCCTGCCCAGACCTCGGTGGTGGTGGAAGACCTCCTGCCCAACCACTCCTACGTGTTC[C>T]GCGTGCGGGCCCAGAGCCAGGAAGGCTGGGGCCGAGAGCGTGAGGGTGTCATCACCATTG-3'
Protein context (NP_000204.3, residues 1589-1609): DLLPNHSYVF[Arg1599Cys]VRAQSQEGWG